The following is an entry in ClinVar:

NM_007294.4(BRCA1):c.1760_1761insG (p.Ile587fs)

Gene: BRCA1 (BRCA1 DNA repair associated; minus strand). Cytogenetic location: 17q21.31.
Variant type: Insertion.
Coding change: c.1760_1761insG on transcript NM_007294.4 (MANE Select); coding-DNA positions 1760 to 1761, G inserted.
Protein change: p.Ile587fs; shifts the reading frame from isoleucine 587.
Molecular consequence: frameshift variant. On other transcripts: intron variant (137).
Genome position: GRCh38 VCF-style: chr17-43093770-T-TC. GRCh37 (hg19) VCF-style: chr17-41245787-T-TC.
Other names: c.1757_1758insG, p.Ile586fs (NM_001407636.1, NM_001407637.1, NM_001407638.1 and 22 more transcripts); c.1751_1752insG, p.Ile584fs (NM_001407647.1, NM_001407646.1); c.1760_1761insG, p.Ile587fs (NM_001407639.1, NM_001407640.1, NM_001407641.1 and 30 more transcripts); c.1637_1638insG, p.Ile546fs (NM_001407648.1, NM_001407667.1, NM_001407668.1 and 19 more transcripts); c.1634_1635insG, p.Ile545fs (NM_001407649.1, NM_001407670.1, NM_001407671.1 and 11 more transcripts); c.1682_1683insG, p.Ile561fs (NM_001407653.1, NM_001407654.1, NM_001407655.1 and 4 more transcripts); c.1619_1620insG, p.Ile540fs (NM_001407692.1, NM_001407729.1, NM_001407730.1 and 29 more transcripts); c.1616_1617insG, p.Ile539fs (NM_001407747.1, NM_001407748.1, NM_001407749.1 and 20 more transcripts); and 40 more; short protein forms I291fs, I419fs, I459fs, I460fs, I475fs, I476fs, I498fs, I499fs.
Identifiers: ClinVar variation 4856756 (VCV004856756.1).
Genomic context (GRCh38, chr17:43,093,770, plus strand): 5'-TTTAGGTGCTTTTGAATTGTGGATATTTAATTCGAGTTCCATATTGCTTATACTGCTGCT[T>TC]ATAGGTTCAGCTTTCGTTTTGAAAGCAGATTCTTTTTCGAGTGATTCTATTGGGTTAGGA-3'

ClinVar aggregate classification (germline): Pathogenic (1 of 4 stars; one submission).

Conditions:
Breast-ovarian cancer, familial, susceptibility to, 1 (BROVCA1). Also called: OVARIAN CANCER, SUSCEPTIBILITY TO; BRCA1 Hereditary Breast and Ovarian Cancer. Identifiers: Orphanet 145, MedGen C2676676, MONDO:0011450, OMIM 604370. Disease mechanism: loss of function.

Submission:

Myriad Genetics, Inc.
Classification: Pathogenic for Breast-ovarian cancer, familial, susceptibility to, 1. Last evaluated: 2026-03-04. Review status: criteria provided, single submitter. Criteria: Myriad Autosomal Dominant, Autosomal Recessive and X-Linked Classification Criteria (2023). Collection method: clinical testing. Allele origin: unknown.
Comment: This variant is considered pathogenic. This variant creates a frameshift predicted to result in premature protein truncation.